The following is an entry in ClinVar:

NM_005050.4(ABCD4):c.286-7T>A

Gene: ABCD4 (ATP binding cassette subfamily D member 4; minus strand). Cytogenetic location: 14q24.3.
Variant type: single nucleotide variant.
Coding change: c.286-7T>A on transcript NM_005050.4 (MANE Select); 7 bases into the intron before coding-DNA position 286, T replaced by A.
Molecular consequence: intron variant.
Genome position (GRCh38, 1-based): chr14:74,298,076, A>T on the plus strand (T>A on the coding strand, the complement: ABCD4 is on the minus strand). VCF-style: chr14-74298076-A-T. GRCh37 (hg19) VCF-style: chr14-74764779-A-T.
Other names: c.-409-7T>A (NM_001353607.2, NM_001353603.2, NM_001353606.2 and 3 more transcripts); c.-192-7T>A (NM_001353598.2, NM_001353600.2); c.25-7T>A (NM_001353594.2, NM_001353593.2); c.-269-1627T>A (NM_001353604.2); c.-52-1627T>A (NM_001353601.2); c.-124-7T>A (NM_001353597.2, NM_001353596.2, NM_001353595.2); c.-265+1472T>A (NM_001353608.2); c.-53+1472T>A (NM_020324.3, NM_001353599.2); and 2 more.
Identifiers: ClinVar variation 2106155 (VCV002106155.3), dbSNP rs2083333881, ClinGen allele CA2559004713.

ClinVar aggregate classification (germline): Uncertain significance (1 of 4 stars; one submission).

Conditions:
Methylmalonic acidemia with homocystinuria, type cblJ (MAHCJ). Also called: METHYLMALONIC ACIDURIA AND HOMOCYSTINURIA, cblJ TYPE. Identifiers: Orphanet 369955, MedGen C3553915, MONDO:0013925, OMIM 614857.

gnomAD v4.1: 1 of 1,612,962 alleles (0.000062%); highest among the groups gnomAD compares: Non-Finnish European, 0.000085%; no homozygotes.

Submission:

Labcorp Genetics (formerly Invitae), Labcorp
Classification: Uncertain significance for Methylmalonic acidemia with homocystinuria, type cblJ. Last evaluated: 2024-01-22. Review status: criteria provided, single submitter. Criteria: Invitae Variant Classification Sherloc (09022015). Collection method: clinical testing. Allele origin: germline.
Comment: This sequence change falls in intron 3 of the ABCD4 gene. It does not directly change the encoded amino acid sequence of the ABCD4 protein. This variant is not present in population databases (gnomAD no frequency). This variant has not been reported in the literature in individuals affected with ABCD4-related conditions. ClinVar contains an entry for this variant (Variation ID: 2106155). Algorithms developed to predict the effect of sequence changes on RNA splicing suggest that this variant may disrupt the consensus splice site. In summary, the available evidence is currently insufficient to determine the role of this variant in disease. Therefore, it has been classified as a Variant of Uncertain Significance.